The following is an entry in ClinVar:

NM_001035.3(RYR2):c.11809C>A (p.His3937Asn)

Gene: RYR2 (ryanodine receptor 2; plus strand). Cytogenetic location: 1q43.
Variant type: single nucleotide variant.
Coding change: c.11809C>A on transcript NM_001035.3 (MANE Select); coding-DNA position 11809, C replaced by A.
Protein change: p.His3937Asn; replaces histidine 3937 with asparagine.
Molecular consequence: missense variant.
Genome position (GRCh38, 1-based): chr1:237,778,699, C>A. VCF-style: chr1-237778699-C-A. GRCh37 (hg19) VCF-style: chr1-237941999-C-A.
Other names: short protein forms H3937N.
Identifiers: ClinVar variation 4532492 (VCV004532492.1).
Genomic context (GRCh38, chr1:237,778,699, plus strand): 5'-ATTGCCGTTTGTCTGTTTATGCTCCAGGGTCCTTGCACTGGGAATCAACAGAGTTTGGCA[C>A]ACAGCAGGCTGTGGGATGCTGTGGTCGGCTTTCTTCATGTGTTTGCCCATATGCAGATGA-3'
Protein context (NP_001026.2, residues 3927-3947): PCTGNQQSLA[His3937Asn]SRLWDAVVGF

ClinVar aggregate classification (germline): Uncertain significance (1 of 4 stars; one submission).

Submission:

GeneDx
Classification: Uncertain significance. Last evaluated: 2025-05-29. Review status: criteria provided, single submitter. Criteria: GeneDx Variant Classification Process June 2021. Collection method: clinical testing. Allele origin: germline. Affected: yes.
Comment: Not observed at significant frequency in large population cohorts (gnomAD); In silico analysis supports that this missense variant has a deleterious effect on protein structure/function; Has not been previously published as pathogenic or benign to our knowledge; Located in one of the three hot-spot regions of the RYR2 gene, where the majority of pathogenic missense variants occur (PMID: 19926015); This variant is associated with the following publications: (PMID: 19926015)